The following is an entry in ClinVar:

ClinVar aggregate classification (germline): Conflicting classifications of pathogenicity. Review status: criteria provided, conflicting classifications (1 of 4 stars). 3 submissions from 3 submitters: Uncertain significance (2); Likely benign (1). Last evaluated 2025-02-02.

Conditions:
Hypercholesterolemia, autosomal dominant, type B (FHCL2). Also called: APOB-Related Familial Hypercholesterolemia, Autosomal Dominant; Hyperlipoproteinemia Type IIb; Familial Hypercholesterolemia Type B; APOLIPOPROTEIN B-100, FAMILIAL DEFECTIVE; APOLIPOPROTEIN B-100, FAMILIAL LIGAND-DEFECTIVE; Familial hypercholesterolemia 2. Identifiers: MedGen C1704417, MONDO:0007751, OMIM 144010.
Familial hypobetalipoproteinemia 1. Also called: APOB-Related Familial Hypobetalipoproteinemia; Hypobetalipoproteinemia, normotriglyceridemic; Acanthocytosis with hypobetalipoproteinemia. Identifiers: MedGen C4551990, MONDO:0014252, OMIM 615558.

Allele frequency attached by ClinVar (database versions not stated): ExAC 0.00003; gnomAD 0.00003; TOPMed 0.00011.

Submissions (3):

Labcorp Genetics (formerly Invitae), Labcorp
Classification: Likely benign for Familial hypobetalipoproteinemia 1; Hypercholesterolemia, autosomal dominant, type B. Last evaluated: 2025-02-02. Review status: criteria provided, single submitter. Criteria: Invitae Variant Classification Sherloc (09022015). Collection method: clinical testing. Allele origin: germline.

GeneDx
Classification: Uncertain significance. Last evaluated: 2024-09-30. Review status: criteria provided, single submitter. Criteria: GeneDx Variant Classification Process June 2021. Collection method: clinical testing. Allele origin: germline. Affected: yes.
Comment: Has not been previously published as pathogenic or benign to our knowledge; In silico analysis supports that this missense variant has a deleterious effect on protein structure/function; Also known as p.(G1424V); This variant is associated with the following publications: (PMID: 2312735, 30076208)

Fulgent Genetics
Classification: Uncertain significance for Hypercholesterolemia, autosomal dominant, type B; Familial hypobetalipoproteinemia 1. Last evaluated: 2021-11-12. Review status: criteria provided, single submitter. Criteria: ACMG Guidelines, 2015. Collection method: clinical testing. Allele origin: unknown.

NM_000384.3(APOB):c.4352G>T (p.Gly1451Val)

Gene: APOB (apolipoprotein B; minus strand). Cytogenetic location: 2p24.1.
Variant type: single nucleotide variant.
Coding change: c.4352G>T on transcript NM_000384.3 (MANE Select); coding-DNA position 4352, G replaced by T.
Protein change: p.Gly1451Val; replaces glycine 1451 with valine.
Molecular consequence: missense variant.
Genome position (GRCh38, 1-based): chr2:21,012,516, C>A on the plus strand (G>T on the coding strand, the complement: APOB is on the minus strand). VCF-style: chr2-21012516-C-A. GRCh37 (hg19) VCF-style: chr2-21235388-C-A.
Other names: short protein forms G1451V.
Identifiers: ClinVar variation 630305 (VCV000630305.18), dbSNP rs777471630, ClinGen allele CA060905.